The following is an entry in ClinVar:

NM_152564.5(VPS13B):c.2274del (p.Val759fs)

Gene: VPS13B (vacuolar protein sorting 13 homolog B; plus strand). Cytogenetic location: 8q22.2.
Variant type: Deletion.
Coding change: c.2274del on transcript NM_152564.5 (MANE Select); coding-DNA position 2274, one base deleted (A; older notation c.2274delA).
Protein change: p.Val759fs; shifts the reading frame from valine 759.
Molecular consequence: frameshift variant.
Genome position (GRCh38, 1-based): chr8:99,170,104, A deleted. VCF-style (leftmost placement, unchanged base first): chr8-99170103-CA-C. GRCh37 (hg19) VCF-style: chr8-100182331-CA-C.
Other names: c.2274del, p.Val759fs (NM_015243.3, NM_017890.5); short protein forms V759fs.
Identifiers: ClinVar variation 2071329 (VCV002071329.4), dbSNP rs2488877642, ClinGen allele CA2580079106.

ClinVar aggregate classification (germline): Pathogenic (1 of 4 stars; one submission).

Conditions:
Cohen syndrome (COH1). Also called: Cutis verticis gyrata, retinitis pigmentosa, and sensorineural deafness; PEPPER SYNDROME. Identifiers: Orphanet 193, MedGen C0265223, MONDO:0008999, OMIM 216550.

Submission:

Labcorp Genetics (formerly Invitae), Labcorp
Classification: Pathogenic for Cohen syndrome. Last evaluated: 2022-01-03. Review status: criteria provided, single submitter. Criteria: Invitae Variant Classification Sherloc (09022015). Collection method: clinical testing. Allele origin: germline.
Comment: For these reasons, this variant has been classified as Pathogenic. This variant has not been reported in the literature in individuals affected with VPS13B-related conditions. This variant is not present in population databases (gnomAD no frequency). This sequence change creates a premature translational stop signal (p.Val759Leufs*14) in the VPS13B gene. It is expected to result in an absent or disrupted protein product. Loss-of-function variants in VPS13B are known to be pathogenic (PMID: 15141358, 16648375, 20461111).

Literature cited by the submitters: PubMed 15141358; PubMed 16648375; PubMed 20461111.